The following is an entry in ClinVar:

ClinVar aggregate classification (germline): Uncertain significance (1 of 4 stars; one submission).

Conditions:
Alstrom syndrome (ALMS). Identifiers: Orphanet 64, MedGen C0268425, MONDO:0008763, OMIM 203800.

Submission:

Labcorp Genetics (formerly Invitae), Labcorp
Classification: Uncertain significance for Alstrom syndrome. Last evaluated: 2022-04-24. Review status: criteria provided, single submitter. Criteria: Invitae Variant Classification Sherloc (09022015). Collection method: clinical testing. Allele origin: germline.
Comment: In summary, the available evidence is currently insufficient to determine the role of this variant in disease. Therefore, it has been classified as a Variant of Uncertain Significance. Experimental studies and prediction algorithms are not available or were not evaluated, and the functional significance of this variant is currently unknown. This variant has not been reported in the literature in individuals affected with ALMS1-related conditions. This variant is not present in population databases (gnomAD no frequency). This sequence change replaces serine, which is neutral and polar, with cysteine, which is neutral and slightly polar, at codon 3046 of the ALMS1 protein (p.Ser3046Cys).

NM_001378454.1(ALMS1):c.9134C>G (p.Ser3045Cys)

Gene: ALMS1 (ALMS1 centrosome and basal body associated protein; plus strand). Cytogenetic location: 2p13.1.
Variant type: single nucleotide variant.
Coding change: c.9134C>G on transcript NM_001378454.1 (MANE Select); coding-DNA position 9134, C replaced by G.
Protein change: p.Ser3045Cys; replaces serine 3045 with cysteine.
Molecular consequence: missense variant.
Genome position (GRCh38, 1-based): chr2:73,491,093, C>G. VCF-style: chr2-73491093-C-G. GRCh37 (hg19) VCF-style: chr2-73718220-C-G.
Other names: c.9137C>G, p.Ser3046Cys (NM_015120.4); short protein forms S3045C, S3046C.
Identifiers: ClinVar variation 1924138 (VCV001924138.5), dbSNP rs1264852936, ClinGen allele CA347273213.